The following is an entry in ClinVar:

NM_005670.4(EPM2A):c.495G>T (p.Trp165Cys)

Gene: EPM2A (EPM2A glucan phosphatase, laforin; minus strand). Cytogenetic location: 6q24.3.
Variant type: single nucleotide variant.
Coding change: c.495G>T on transcript NM_005670.4 (MANE Select); coding-DNA position 495, G replaced by T.
Protein change: p.Trp165Cys; replaces tryptophan 165 with cysteine.
Molecular consequence: missense variant. On other transcripts: intron variant (1).
Genome position (GRCh38, 1-based): chr6:145,635,468, C>A on the plus strand (G>T on the coding strand, the complement: EPM2A is on the minus strand). VCF-style: chr6-145635468-C-A. GRCh37 (hg19) VCF-style: chr6-145956604-C-A.
Other names: c.495G>T, p.Trp165Cys (NM_001018041.2, NM_001368130.1); c.81G>T, p.Trp27Cys (NM_001360064.2, NM_001360071.2, NM_001368131.1); c.33G>T, p.Trp11Cys (NM_001368129.2, NM_001368132.1); c.477-7775G>T (NM_001360057.2); short protein forms W165C, W11C, W27C.
Identifiers: ClinVar variation 654471 (VCV000654471.8), dbSNP rs781291421, ClinGen allele CA4035147.

ClinVar aggregate classification (germline): Uncertain significance (1 of 4 stars; one submission).

Conditions:
Progressive myoclonic epilepsy. Also called: Familial progressive myoclonic epilepsy; Myoclonus epilepsy; Progressive myoclonus epilepsy; Myoclonic Epilepsies, Progressive. Identifiers: Orphanet 308, Orphanet 98261, MedGen C0751778, MONDO:0020074.

Allele frequency attached by ClinVar (database versions not stated): TOPMed 0.00003; gnomAD 0.00006.
gnomAD v4.1: 37 of 1,613,866 alleles (0.0023%); highest among the groups gnomAD compares: Non-Finnish European, 0.0031%; no homozygotes.

Submission:

Labcorp Genetics (formerly Invitae), Labcorp
Classification: Uncertain significance for Progressive myoclonic epilepsy. Last evaluated: 2021-08-26. Review status: criteria provided, single submitter. Criteria: Invitae Variant Classification Sherloc (09022015). Collection method: clinical testing. Allele origin: germline.
Comment: This sequence change replaces tryptophan with cysteine at codon 165 of the EPM2A protein (p.Trp165Cys). The tryptophan residue is highly conserved and there is a large physicochemical difference between tryptophan and cysteine. This variant is present in population databases (rs781291421, ExAC 0.001%). This variant has not been reported in the literature in individuals affected with EPM2A-related conditions. Algorithms developed to predict the effect of missense changes on protein structure and function (SIFT, PolyPhen-2, Align-GVGD) all suggest that this variant is likely to be disruptive. In summary, the available evidence is currently insufficient to determine the role of this variant in disease. Therefore, it has been classified as a Variant of Uncertain Significance.